The following is an entry in ClinVar:

ClinVar aggregate classification (germline): Uncertain significance. Review status: criteria provided, multiple submitters, no conflicts (2 of 4 stars). 2 submissions from 2 submitters: Uncertain significance (2). Last evaluated 2024-10-30.

Conditions:
Leukoencephalopathy, developmental delay, and episodic neurologic regression syndrome. Also called: LEUDEN SYNDROME. Identifiers: MedGen C5394367, MONDO:0030035, OMIM 618877.
Dystonia 33 (DYT33). Identifiers: MedGen C5562054, MONDO:0030513, OMIM 619687.

Allele frequency attached by ClinVar (database versions not stated): gnomAD 0.00001; gnomAD exomes 0.00001; TOPMed 0.00001.
gnomAD v4.1: 15 of 1,611,188 alleles (0.00093%); highest among the groups gnomAD compares: Admixed American, 0.0017%; no homozygotes.

Submissions (2):

Labcorp Genetics (formerly Invitae), Labcorp
Classification: Uncertain significance. Last evaluated: 2024-10-30. Review status: criteria provided, single submitter. Criteria: Invitae Variant Classification Sherloc (09022015). Collection method: clinical testing. Allele origin: germline.
Comment: This sequence change replaces arginine, which is basic and polar, with glutamine, which is neutral and polar, at codon 499 of the EIF2AK2 protein (p.Arg499Gln). This variant is not present in population databases (gnomAD no frequency). This variant has not been reported in the literature in individuals affected with EIF2AK2-related conditions. ClinVar contains an entry for this variant (Variation ID: 1975850). An algorithm developed to predict the effect of missense changes on protein structure and function (PolyPhen-2) suggests that this variant is likely to be disruptive. In summary, the available evidence is currently insufficient to determine the role of this variant in disease. Therefore, it has been classified as a Variant of Uncertain Significance.

Department of Pathology and Laboratory Medicine, Sinai Health System
Classification: Uncertain significance for Leukoencephalopathy, developmental delay, and episodic neurologic regression syndrome; Dystonia 33. Last evaluated: 2023-02-07. Review status: criteria provided, single submitter. Criteria: ACMG Guidelines, 2015. Collection method: research. Allele origin: germline.

NM_001135651.3(EIF2AK2):c.1496G>A (p.Arg499Gln)

Gene: EIF2AK2 (eukaryotic translation initiation factor 2 alpha kinase 2; minus strand). Cytogenetic location: 2p22.2.
Variant type: single nucleotide variant.
Coding change: c.1496G>A on transcript NM_001135651.3 (MANE Select); coding-DNA position 1496, G replaced by A.
Protein change: p.Arg499Gln; replaces arginine 499 with glutamine.
Molecular consequence: missense variant.
Genome position (GRCh38, 1-based): chr2:37,107,511, C>T on the plus strand (G>A on the coding strand, the complement: EIF2AK2 is on the minus strand). VCF-style: chr2-37107511-C-T. GRCh37 (hg19) VCF-style: chr2-37334654-C-T.
Other names: c.1373G>A, p.Arg458Gln (NM_001135652.3); c.1496G>A, p.Arg499Gln (NM_002759.4); short protein forms R499Q, R458Q.
Identifiers: ClinVar variation 1975850 (VCV001975850.6), dbSNP rs1037354438, ClinGen allele CA45429473.